The following is an entry in ClinVar:

ClinVar aggregate classification (germline): Uncertain significance (1 of 4 stars; one submission).

Allele frequency attached by ClinVar (database versions not stated): gnomAD 0.00001.

Submission:

GeneDx
Classification: Uncertain significance. Last evaluated: 2022-04-18. Review status: criteria provided, single submitter. Criteria: GeneDx Variant Classification Process June 2021. Collection method: clinical testing. Allele origin: germline. Affected: yes.
Comment: Not observed at significant frequency in large population cohorts (gnomAD); In silico analysis supports that this missense variant has a deleterious effect on protein structure/function; Has not been previously published as pathogenic or benign to our knowledge

NM_001009944.3(PKD1):c.11740T>C (p.Phe3914Leu)

Gene: PKD1 (polycystin 1, transient receptor potential channel interacting; minus strand). Cytogenetic location: 16p13.3.
Variant type: single nucleotide variant.
Coding change: c.11740T>C on transcript NM_001009944.3 (MANE Select); coding-DNA position 11740, T replaced by C.
Protein change: p.Phe3914Leu; replaces phenylalanine 3914 with leucine.
Molecular consequence: missense variant.
Genome position (GRCh38, 1-based): chr16:2,091,147, A>G on the plus strand (T>C on the coding strand, the complement: PKD1 is on the minus strand). VCF-style: chr16-2091147-A-G. GRCh37 (hg19) VCF-style: chr16-2141148-A-G.
Other names: c.11737T>C, p.Phe3913Leu (NM_000296.4); short protein forms F3913L, F3914L.
Identifiers: ClinVar variation 1800838 (VCV001800838.1), dbSNP rs1469458876, ClinGen allele CA394330228.